The following is an entry in ClinVar:

NM_001267550.2(TTN):c.105927C>G (p.Ser35309Arg)

Genes: TTN-AS1 (TTN antisense RNA 1; plus strand), TTN (titin; minus strand), LOC129935183 (ATAC-STARR-seq lymphoblastoid active region 16808; plus strand). Cytogenetic location: 2q31.2.
Variant type: single nucleotide variant.
Coding change: c.105927C>G on transcript NM_001267550.2 (MANE Select); coding-DNA position 105927, C replaced by G.
Protein change: p.Ser35309Arg; replaces serine 35309 with arginine.
Molecular consequence: missense variant.
Genome position (GRCh38, 1-based): chr2:178,530,688, G>C on the plus strand (C>G on the coding strand, the complement: TTN is on the minus strand). VCF-style: chr2-178530688-G-C. GRCh37 (hg19) VCF-style: chr2-179395415-G-C.
Other names: c.101004C>G, p.Ser33668Arg (NM_001256850.1); c.78732C>G, p.Ser26244Arg (NM_003319.4); c.98223C>G, p.Ser32741Arg (NM_133378.4); c.79107C>G, p.Ser26369Arg (NM_133432.3); c.79308C>G, p.Ser26436Arg (NM_133437.4); short protein forms S26244R, S26369R, S26436R, S32741R, S33668R, S35309R.
Identifiers: ClinVar variation 3754928 (VCV003754928.2).

ClinVar aggregate classification (germline): Uncertain significance (1 of 4 stars; one submission).

Conditions:
Autosomal recessive limb-girdle muscular dystrophy type 2J (LGMDR10). Also called: Limb-girdle muscular dystrophy, type 2J; MUSCULAR DYSTROPHY, LIMB-GIRDLE, AUTOSOMAL RECESSIVE 10. Identifiers: Orphanet 140922, MedGen C1837342, MONDO:0012127, OMIM 608807.
Dilated cardiomyopathy 1G (CMD1G). Identifiers: Orphanet 154, MedGen C1858763, MONDO:0011400, OMIM 604145.

Submission:

Labcorp Genetics (formerly Invitae), Labcorp
Classification: Uncertain significance for Dilated cardiomyopathy 1G; Autosomal recessive limb-girdle muscular dystrophy type 2J. Last evaluated: 2024-04-17. Review status: criteria provided, single submitter. Criteria: Invitae Variant Classification Sherloc (09022015). Collection method: clinical testing. Allele origin: germline.
Comment: This sequence change replaces serine, which is neutral and polar, with arginine, which is basic and polar, at codon 35309 of the TTN protein (p.Ser35309Arg). This variant is not present in population databases (gnomAD no frequency). This variant has not been reported in the literature in individuals affected with TTN-related conditions. Experimental studies and prediction algorithms are not available or were not evaluated, and the functional significance of this variant is currently unknown. This variant is located in the M band of TTN (PMID: 25589632). Non-truncating variants in this region may be relevant for neuromuscular disorders, but have not been definitively shown to cause cardiomyopathy (PMID: 23975875). In summary, the available evidence is currently insufficient to determine the role of this variant in disease. Therefore, it has been classified as a Variant of Uncertain Significance.

Literature cited by the submitters: PubMed 25589632; PubMed 23975875.